The following is an entry in ClinVar:

ClinVar aggregate classification (germline): Uncertain significance. Review status: criteria provided, multiple submitters, no conflicts (2 of 4 stars). 2 submissions from 2 submitters: Uncertain significance (2). Last evaluated 2025-02-12.

Conditions:
Inborn genetic diseases. Identifiers: MedGen C0950123, MeSH D030342.
Reticular dysgenesis. Also called: CONGENITAL ALEUKIA; HEMATOPOIETIC HYPOPLASIA, GENERALIZED; ALEUKOCYTOSIS; RETICULAR DYSGENESIA; SEVERE COMBINED IMMUNODEFICIENCY WITH LEUKOPENIA; DeVaal disease. Identifiers: Orphanet 33355, MedGen C0272167, MONDO:0009973, OMIM 267500.

Allele frequency attached by ClinVar (database versions not stated): gnomAD exomes below 0.00001; gnomAD 0.00001.

Submissions (2):

Ambry Genetics
Classification: Uncertain significance for Inborn genetic diseases. Last evaluated: 2025-02-12. Review status: criteria provided, single submitter. Criteria: Ambry Variant Classification Scheme 2023. Collection method: clinical testing. Allele origin: germline.

Labcorp Genetics (formerly Invitae), Labcorp
Classification: Uncertain significance for Reticular dysgenesis. Last evaluated: 2021-09-01. Review status: criteria provided, single submitter. Criteria: Invitae Variant Classification Sherloc (09022015). Collection method: clinical testing. Allele origin: germline.
Comment: This sequence change replaces histidine with arginine at codon 43 of the AK2 protein (p.His43Arg). The histidine residue is highly conserved and there is a small physicochemical difference between histidine and arginine. This variant is not present in population databases (ExAC no frequency). This variant has not been reported in the literature in individuals affected with AK2-related conditions. Algorithms developed to predict the effect of missense changes on protein structure and function (SIFT, PolyPhen-2, Align-GVGD) all suggest that this variant is likely to be disruptive. In summary, the available evidence is currently insufficient to determine the role of this variant in disease. Therefore, it has been classified as a Variant of Uncertain Significance.

NM_001625.4(AK2):c.128A>G (p.His43Arg)

Gene: AK2 (adenylate kinase 2; minus strand). Cytogenetic location: 1p35.1.
Variant type: single nucleotide variant.
Coding change: c.128A>G on transcript NM_001625.4 (MANE Select); coding-DNA position 128, A replaced by G.
Protein change: p.His43Arg; replaces histidine 43 with arginine.
Molecular consequence: missense variant. On other transcripts: 5 prime UTR variant (2), non-coding transcript variant (1), intron variant (1).
Genome position (GRCh38, 1-based): chr1:33,024,533, T>C on the plus strand (A>G on the coding strand, the complement: AK2 is on the minus strand). VCF-style: chr1-33024533-T-C. GRCh37 (hg19) VCF-style: chr1-33490134-T-C.
Other names: c.128A>G, p.His43Arg (NM_001199199.3, NM_001319141.3, NM_001319143.2 and 1 more transcripts); c.-17A>G (NM_001319139.3, NM_001319140.2); c.94-2830A>G (NM_001319142.3); short protein forms H43R.
Identifiers: ClinVar variation 950364 (VCV000950364.8), dbSNP rs1639754142, ClinGen allele CA339703041.